The following is an entry in ClinVar:

NM_014484.5(MOCS3):c.1269G>T (p.Lys423Asn)

Gene: MOCS3 (molybdenum cofactor synthesis 3; plus strand). Cytogenetic location: 20q13.13.
Variant type: single nucleotide variant.
Coding change: c.1269G>T on transcript NM_014484.5 (MANE Select); coding-DNA position 1269, G replaced by T.
Protein change: p.Lys423Asn; replaces lysine 423 with asparagine.
Molecular consequence: missense variant.
Genome position (GRCh38, 1-based): chr20:50,960,111, G>T. VCF-style: chr20-50960111-G-T. GRCh37 (hg19) VCF-style: chr20-49576648-G-T.
Other names: c.1269G>T (NM_014484.3); short protein forms K423N.
Identifiers: ClinVar variation 1469102 (VCV001469102.9), dbSNP rs371687308, ClinGen allele CA9909566.

ClinVar aggregate classification (germline): Uncertain significance. Review status: criteria provided, multiple submitters, no conflicts (2 of 4 stars). 2 submissions from 2 submitters: Uncertain significance (2). Last evaluated 2025-09-07.

Allele frequency attached by ClinVar (database versions not stated): gnomAD exomes below 0.00001 and 0.00001; ExAC 0.00001; gnomAD 0.00005; TOPMed 0.00005; ESP Exome Variant Server 0.00008.

Submissions (2):

Labcorp Genetics (formerly Invitae), Labcorp
Classification: Uncertain significance. Last evaluated: 2025-09-07. Review status: criteria provided, single submitter. Criteria: Invitae Variant Classification Sherloc (09022015). Collection method: clinical testing. Allele origin: germline.
Comment: This sequence change replaces lysine, which is basic and polar, with asparagine, which is neutral and polar, at codon 423 of the MOCS3 protein (p.Lys423Asn). This variant is present in population databases (rs371687308, gnomAD 0.01%). This variant has not been reported in the literature in individuals affected with MOCS3-related conditions. ClinVar contains an entry for this variant (Variation ID: 1469102). An algorithm developed to predict the effect of missense changes on protein structure and function (PolyPhen-2) suggests that this variant is likely to be tolerated. In summary, the available evidence is currently insufficient to determine the role of this variant in disease. Therefore, it has been classified as a Variant of Uncertain Significance.

Ambry Genetics
Classification: Uncertain significance. Last evaluated: 2025-05-20. Review status: criteria provided, single submitter. Criteria: Ambry Variant Classification Scheme 2023. Collection method: clinical testing. Allele origin: germline.